The following is an entry in ClinVar:

ClinVar aggregate classification (germline): Uncertain significance (1 of 4 stars; one submission).

Conditions:
Hereditary cancer-predisposing syndrome. Also called: Tumor predisposition; Hereditary Cancer Syndrome; Neoplastic Syndromes, Hereditary; Hereditary neoplastic syndrome. Identifiers: Orphanet 140162, MedGen C0027672, MeSH D009386, MONDO:0015356.

Submission:

Ambry Genetics
Classification: Uncertain significance for Hereditary cancer-predisposing syndrome. Last evaluated: 2019-04-03. Review status: criteria provided, single submitter. Criteria: Ambry Variant Classification Scheme 2023. Collection method: clinical testing. Allele origin: germline.
Comment: The p.L1036W variant (also known as c.3107T>G), located in coding exon 15 of the APC gene, results from a T to G substitution at nucleotide position 3107. The leucine at codon 1036 is replaced by tryptophan, an amino acid with similar properties. This amino acid position is highly conserved in available vertebrate species. In addition, in silico predictors for this gene do not accurately predict pathogenicity. Since supporting evidence is limited at this time, the clinical significance of this alteration remains unclear.

NM_000038.6(APC):c.3107T>G (p.Leu1036Trp)

Gene: APC (APC regulator of Wnt signaling pathway; plus strand). Cytogenetic location: 5q22.2.
Variant type: single nucleotide variant.
Coding change: c.3107T>G on transcript NM_000038.6 (MANE Select); coding-DNA position 3107, T replaced by G.
Protein change: p.Leu1036Trp; replaces leucine 1036 with tryptophan.
Molecular consequence: missense variant.
Genome position (GRCh38, 1-based): chr5:112,838,701, T>G. VCF-style: chr5-112838701-T-G. GRCh37 (hg19) VCF-style: chr5-112174398-T-G.
Other names: c.3107T>G, p.Leu1036Trp (NM_001127510.3, NM_001354895.2); c.3053T>G, p.Leu1018Trp (NM_001127511.3); c.3161T>G, p.Leu1054Trp (NM_001354896.2); c.3137T>G, p.Leu1046Trp (NM_001354897.2); c.3032T>G, p.Leu1011Trp (NM_001354898.2); c.3023T>G, p.Leu1008Trp (NM_001354899.2); c.2984T>G, p.Leu995Trp (NM_001354900.2); c.2930T>G, p.Leu977Trp (NM_001354901.2); and 5 more; short protein forms L1018W, L1046W, L995W, L1008W, L1036W, L876W, L977W, L1011W.
Identifiers: ClinVar variation 822908 (VCV000822908.4), dbSNP rs1580630969, ClinGen allele CA16028141.